The following is an entry in ClinVar:

NM_016579.4(CD320):c.599G>T (p.Gly200Val)

Gene: CD320 (CD320 molecule; minus strand). Cytogenetic location: 19p13.2.
Variant type: single nucleotide variant.
Coding change: c.599G>T on transcript NM_016579.4 (MANE Select); coding-DNA position 599, G replaced by T.
Protein change: p.Gly200Val; replaces glycine 200 with valine.
Molecular consequence: missense variant.
Genome position (GRCh38, 1-based): chr19:8,302,884, C>A on the plus strand (G>T on the coding strand, the complement: CD320 is on the minus strand). VCF-style: chr19-8302884-C-A. GRCh37 (hg19) VCF-style: chr19-8367768-C-A.
Other names: c.473G>T, p.Gly158Val (NM_001165895.2); short protein forms G200V, G158V.
Identifiers: ClinVar variation 2758829 (VCV002758829.3), dbSNP rs2512594765, ClinGen allele CA403709692.

ClinVar aggregate classification (germline): Uncertain significance (1 of 4 stars; one submission).

Conditions:
Methylmalonic acidemia due to transcobalamin receptor defect (MATR). Also called: METHYLMALONIC ACIDURIA, TRANSIENT, DUE TO TRANSCOBALAMIN RECEPTOR DEFECT; METHYLMALONIC ACIDEMIA, TCblR TYPE. Identifiers: Orphanet 280183, MedGen C4749905, MONDO:0013341, OMIM 613646.

Submission:

Labcorp Genetics (formerly Invitae), Labcorp
Classification: Uncertain significance for Methylmalonic acidemia due to transcobalamin receptor defect. Last evaluated: 2023-11-03. Review status: criteria provided, single submitter. Criteria: Invitae Variant Classification Sherloc (09022015). Collection method: clinical testing. Allele origin: germline.
Comment: This sequence change replaces glycine, which is neutral and non-polar, with valine, which is neutral and non-polar, at codon 200 of the CD320 protein (p.Gly200Val). This variant is not present in population databases (gnomAD no frequency). This variant has not been reported in the literature in individuals affected with CD320-related conditions. Experimental studies and prediction algorithms are not available or were not evaluated, and the functional significance of this variant is currently unknown. In summary, the available evidence is currently insufficient to determine the role of this variant in disease. Therefore, it has been classified as a Variant of Uncertain Significance.